The following is an entry in ClinVar:

NC_000003.11:g.(?_50431530)_(50431609_?)del

Gene: CACNA2D2 (calcium voltage-gated channel auxiliary subunit alpha2delta 2; minus strand). Cytogenetic location: 3p21.31.
Variant type: Deletion.
Identifiers: ClinVar variation 1062623 (VCV001062623.6).

ClinVar aggregate classification (germline): Uncertain significance (1 of 4 stars; one submission).

Conditions:
Developmental and epileptic encephalopathy. Identifiers: MedGen C5779964, MONDO:0100620.

Submission:

Labcorp Genetics (formerly Invitae), Labcorp
Classification: Uncertain significance for Early-infantile DEE. Last evaluated: 2020-05-26. Review status: criteria provided, single submitter. Criteria: Invitae Variant Classification Sherloc (09022015). Collection method: clinical testing. Allele origin: germline.
Comment: In summary, the available evidence is currently insufficient to determine the role of this variant in disease. Therefore, it has been classified as a Variant of Uncertain Significance. Experimental studies and prediction algorithms are not available or were not evaluated, and the functional significance of this variant is currently unknown. This variant has not been reported in the literature in individuals with CACNA2D2-related conditions. This variant is an in-frame deletion of the genomic region encompassing exon 4 of the CACNA2D2 gene. It preserves the integrity of the reading frame.